The following is an entry in ClinVar:

NM_005751.5(AKAP9):c.9751_9752del (p.Gln3252fs)

Gene: AKAP9 (A-kinase anchoring protein 9; plus strand). Cytogenetic location: 7q21.2.
Variant type: Microsatellite.
Coding change: c.9751_9752del on transcript NM_005751.5 (MANE Select); coding-DNA positions 9751 to 9752, 2 bases deleted (AG; older notation c.9751_9752delAG).
Protein change: p.Gln3252fs; shifts the reading frame from glutamine 3252.
Molecular consequence: frameshift variant.
Genome position (GRCh38, 1-based): chr7:92,096,710-92,096,711, AG deleted; deleting any 2 consecutive bases within chr7:92,096,707-92,096,711 gives the same sequence; the c. name uses the placement nearest the transcript's 3' end. VCF-style (leftmost placement, unchanged base first): chr7-92096706-TGA-T. GRCh37 (hg19) VCF-style: chr7-91726020-TGA-T.
Other names: c.4396_4397del, p.Gln1467fs (NM_001379277.1); c.9727_9728del, p.Gln3244fs (NM_147185.3); short protein forms Q3252fs, Q1467fs, Q3244fs.
Identifiers: ClinVar variation 4711674 (VCV004711674.1).

ClinVar aggregate classification (germline): Uncertain significance (1 of 4 stars; one submission).

Conditions:
Long QT syndrome (LQTS). Identifiers: MedGen C0023976, MeSH D008133, MONDO:0002442. Disease mechanism: loss of function. Inheritance: Various modes of inheritance.

Submission:

Labcorp Genetics (formerly Invitae), Labcorp
Classification: Uncertain significance for Long QT syndrome. Last evaluated: 2025-02-04. Review status: criteria provided, single submitter. Criteria: Invitae Variant Classification Sherloc (09022015). Collection method: clinical testing. Allele origin: germline.
Comment: This sequence change creates a premature translational stop signal (p.Gln3252Glufs*33) in the AKAP9 gene. It is expected to result in an absent or disrupted protein product. However, the current clinical and genetic evidence is not sufficient to establish whether loss-of-function variants in AKAP9 cause disease. This variant is not present in population databases (gnomAD no frequency). This variant has not been reported in the literature in individuals affected with AKAP9-related conditions. In summary, the available evidence is currently insufficient to determine the role of this variant in disease. Therefore, it has been classified as a Variant of Uncertain Significance.